The following is an entry in ClinVar:

ClinVar aggregate classification (germline): Uncertain significance (1 of 4 stars; one submission).

Conditions:
PLXNA3-related disorder. Also called: PLXNA3-related condition.

gnomAD v4.1: 2 of 1,208,354 alleles (0.00017%); highest among the groups gnomAD compares: African/African-American, 0.0035%; 1 homozygote.

Submission:

PreventionGenetics, part of Exact Sciences
Classification: Uncertain significance for PLXNA3-related condition. Last evaluated: 2026-08-19. Review status: criteria provided, single submitter. Criteria: ACMG Guidelines, 2015. Collection method: clinical testing. Allele origin: germline.
Comment: The PLXNA3 c.4006C>G variant is predicted to result in the amino acid substitution p.Leu1336Val. To our knowledge, this variant has not been reported in the literature or in a large population database (gnomAD), indicating this variant is rare. At this time, the clinical significance of this variant is uncertain due to the absence of conclusive functional and genetic evidence.

NM_017514.5(PLXNA3):c.4006C>G (p.Leu1336Val)

Gene: PLXNA3 (plexin A3; plus strand). Cytogenetic location: Xq28.
Variant type: single nucleotide variant.
Coding change: c.4006C>G on transcript NM_017514.5 (MANE Select); coding-DNA position 4006, C replaced by G.
Protein change: p.Leu1336Val; replaces leucine 1336 with valine.
Molecular consequence: missense variant.
Genome position (GRCh38, 1-based): chrX:154,468,345, C>G. VCF-style: chrX-154468345-C-G. GRCh37 (hg19) VCF-style: chrX-153696688-C-G.
Other names: short protein forms L1336V.
Identifiers: ClinVar variation 4989736 (VCV004989736.1).